The following is an entry in ClinVar:

ClinVar aggregate classification (germline): Likely pathogenic (1 of 4 stars; one submission).

Conditions:
Autosomal recessive nonsyndromic hearing loss 21. Identifiers: Orphanet 90636, MedGen C1863655, MONDO:0011351, OMIM 603629.
Autosomal dominant nonsyndromic hearing loss 12. Also called: DEAFNESS, AUTOSOMAL DOMINANT 8. Identifiers: Orphanet 90635, MedGen C1832187, MONDO:0011102, OMIM 601543.

Submission:

Juno Genomics, Hangzhou Juno Genomics, Inc
Classification: Likely pathogenic for Autosomal dominant nonsyndromic hearing loss 12; Autosomal recessive nonsyndromic hearing loss 21. Review status: criteria provided, single submitter. Criteria: ACMG Guidelines, 2015. Collection method: clinical testing. Allele origin: germline.
Comment: Null variant in a gene where loss of function (LOF) is a known mechanism of disease.;Absent from controls (or at extremely low frequency if recessive) in Genome Aggregation Database.

NM_005422.4(TECTA):c.1465_1466del (p.Ser489fs)

Genes: TBCEL-TECTA (TBCEL-TECTA readthrough; plus strand), TECTA (tectorin alpha; plus strand). Cytogenetic location: 11q23.3.
Variant type: Microsatellite.
Coding change: c.1465_1466del on transcript NM_005422.4 (MANE Select); coding-DNA positions 1465 to 1466, 2 bases deleted (AG; older notation c.1465_1466delAG).
Protein change: p.Ser489fs; shifts the reading frame from serine 489.
Molecular consequence: frameshift variant.
Genome position (GRCh38, 1-based): chr11:121,125,563-121,125,564, AG deleted; deleting any 2 consecutive bases within chr11:121,125,558-121,125,564 gives the same sequence; the c. name uses the placement nearest the transcript's 3' end. VCF-style (leftmost placement, unchanged base first): chr11-121125557-GGA-G. GRCh37 (hg19) VCF-style: chr11-120996266-GGA-G.
Other names: c.2422_2423del, p.Ser808fs (NM_001378761.1); short protein forms S808fs, S489fs.
Identifiers: ClinVar variation 5007802 (VCV005007802.2).